The following is an entry in ClinVar:

NM_001035.3(RYR2):c.3243C>T (p.Thr1081=)

Gene: RYR2 (ryanodine receptor 2; plus strand). Cytogenetic location: 1q43.
Variant type: single nucleotide variant.
Coding change: c.3243C>T on transcript NM_001035.3 (MANE Select); coding-DNA position 3243, C replaced by T.
Protein change: p.Thr1081=; no amino-acid change (threonine 1081 retained).
Molecular consequence: synonymous variant.
Genome position (GRCh38, 1-based): chr1:237,566,595, C>T. VCF-style: chr1-237566595-C-T. GRCh37 (hg19) VCF-style: chr1-237729895-C-T.
Identifiers: ClinVar variation 703408 (VCV000703408.55), dbSNP rs771680871, ClinGen allele CA086342.

ClinVar aggregate classification (germline): Likely benign. Review status: criteria provided, multiple submitters, no conflicts (2 of 4 stars). 4 submissions from 4 submitters: Likely benign (4). Last evaluated 2025-03-26.

Conditions:
Cardiovascular phenotype. Identifiers: MedGen CN230736.
Catecholaminergic polymorphic ventricular tachycardia (CVPT). Also called: Catecholamine-induced polymorphic ventricular tachycardia. Identifiers: Orphanet 3286, MedGen C5574922, MONDO:0017990.
Cardiomyopathy (CMYO). Also called: Cardiomyopathies. Identifiers: Orphanet 167848, MedGen C0878544, MONDO:0004994, HP:0001638. Inheritance: Various modes of inheritance.
Catecholaminergic polymorphic ventricular tachycardia 1. Also called: VENTRICULAR TACHYCARDIA, CATECHOLAMINERGIC POLYMORPHIC, 1, WITH OR WITHOUT ATRIAL DYSFUNCTION AND/OR DILATED CARDIOMYOPATHY; VENTRICULAR TACHYCARDIA, STRESS-INDUCED POLYMORPHIC 1; RYR2-Related Catecholaminergic Polymorphic Ventricular Tachycardia. Identifiers: Orphanet 3286, MedGen C1631597, MONDO:0011484, OMIM 604772.

Allele frequency attached by ClinVar (database versions not stated): TOPMed below 0.00001; gnomAD exomes 0.00001 and 0.00003; ExAC 0.00002.
gnomAD v4.1: 16 of 1,613,914 alleles (0.00099%); highest among the groups gnomAD compares: East Asian, 0.022%; no homozygotes.

Submissions (4):

Labcorp Genetics (formerly Invitae), Labcorp
Classification: Likely benign for Catecholaminergic polymorphic ventricular tachycardia 1. Last evaluated: 2025-03-26. Review status: criteria provided, single submitter. Criteria: Invitae Variant Classification Sherloc (09022015). Collection method: clinical testing. Allele origin: germline.

All of Us Research Program, National Institutes of Health
Classification: Likely benign for Catecholaminergic polymorphic ventricular tachycardia. Last evaluated: 2023-12-18. Review status: criteria provided, single submitter. Criteria: ACMG Guidelines, 2015. Collection method: clinical testing. Allele origin: germline. Inheritance: Autosomal dominant inheritance. Observed: 8 variant alleles, 8 heterozygotes.
Comment: This study involves interpretation of variants in research participants for the purpose of population health screening. Participant phenotype was not available at the time of variant classification. Additional details can be found in publication PMID: 35346344, PMCID: PMC8962531

Ambry Genetics
Classification: Likely benign for Cardiovascular phenotype. Last evaluated: 2019-12-05. Review status: criteria provided, single submitter. Criteria: Ambry Variant Classification Scheme 2023. Collection method: clinical testing. Allele origin: germline.

Color Diagnostics, LLC DBA Color Health
Classification: Likely benign for Cardiomyopathy. Last evaluated: 2018-12-03. Review status: criteria provided, single submitter. Criteria: ACMG Guidelines, 2015. Collection method: clinical testing. Allele origin: germline.